The following is an entry in ClinVar:

NM_198576.4(AGRN):c.3015C>T (p.Pro1005=)

Gene: AGRN (agrin; plus strand). Cytogenetic location: 1p36.33.
Variant type: single nucleotide variant.
Coding change: c.3015C>T on transcript NM_198576.4 (MANE Select); coding-DNA position 3015, C replaced by T.
Protein change: p.Pro1005=; no amino-acid change (proline 1005 retained).
Molecular consequence: synonymous variant.
Genome position (GRCh38, 1-based): chr1:1,046,500, C>T. VCF-style: chr1-1046500-C-T. GRCh37 (hg19) VCF-style: chr1-981880-C-T.
Other names: c.3015C>T, p.Pro1005= (NM_001305275.2); c.2700C>T, p.Pro900= (NM_001364727.2); c.3015C>T (NM_198576.3).
Identifiers: ClinVar variation 1101682 (VCV001101682.33), dbSNP rs547720389, ClinGen allele CA508919.

ClinVar aggregate classification (germline): Likely benign. Review status: criteria provided, multiple submitters, no conflicts (2 of 4 stars). 3 submissions from 3 submitters: Likely benign (2). 1 of the submissions does not count toward it. Last evaluated 2025-03-04.

Conditions:
AGRN-related disorder. Also called: AGRN-related condition.
Congenital myasthenic syndrome 8. Also called: Myasthenic syndrome, congenital, 8, with pre- and postsynaptic defects; MYASTHENIC SYNDROME, CONGENITAL, DUE TO AGRIN DEFICIENCY. Identifiers: Orphanet 590, MedGen C3808739, MONDO:0014052, OMIM 615120.

Allele frequency attached by ClinVar (database versions not stated): ExAC 0.00016; 1000 Genomes Project 0.00020.
gnomAD v4.1: 107 of 1,610,948 alleles (0.0066%); highest among the groups gnomAD compares: South Asian, 0.11%; 1 homozygote.

Submissions (3):

Labcorp Genetics (formerly Invitae), Labcorp
Classification: Likely benign for Congenital myasthenic syndrome 8. Last evaluated: 2025-03-04. Review status: criteria provided, single submitter. Criteria: Invitae Variant Classification Sherloc (09022015). Collection method: clinical testing. Allele origin: germline.

CeGaT Center for Human Genetics Tuebingen
Classification: Likely benign. Last evaluated: 2023-04-01. Review status: criteria provided, single submitter. Criteria: CeGaT Center For Human Genetics Tuebingen Variant Classification Criteria Version 2. Collection method: clinical testing. Allele origin: germline. Affected: yes. Observed: 1 variant allele.
Comment: AGRN: BP4, BS1

PreventionGenetics, part of Exact Sciences
Classification: Likely benign for AGRN-related condition. Last evaluated: 2023-03-28. Review status: no assertion criteria provided. Collection method: clinical testing. Allele origin: germline. Not counted in ClinVar's aggregate classification.
Comment: This variant is classified as likely benign based on ACMG/AMP sequence variant interpretation guidelines (Richards et al. 2015 PMID: 25741868, with internal and published modifications).